The following is an entry in ClinVar:

NM_000132.4(F8):c.5649C>A (p.Asn1883Lys)

Gene: F8 (coagulation factor VIII; minus strand). Cytogenetic location: Xq28.
Variant type: single nucleotide variant.
Coding change: c.5649C>A on transcript NM_000132.4 (MANE Select); coding-DNA position 5649, C replaced by A.
Protein change: p.Asn1883Lys; replaces asparagine 1883 with lysine.
Molecular consequence: missense variant.
Genome position (GRCh38, 1-based): chrX:154,904,462, G>T on the plus strand (C>A on the coding strand, the complement: F8 is on the minus strand). VCF-style: chrX-154904462-G-T. GRCh37 (hg19) VCF-style: chrX-154132737-G-T.
Other names: short protein forms N1883K.
Identifiers: ClinVar variation 2637004 (VCV002637004.1), dbSNP rs2523884834, ClinGen allele CA414908015.

ClinVar aggregate classification (germline): Uncertain significance (1 of 4 stars; one submission).

Conditions:
F8-related disorder. Also called: F8-related condition.

Submission:

PreventionGenetics, part of Exact Sciences
Classification: Uncertain significance for F8-related condition. Last evaluated: 2022-09-20. Review status: criteria provided, single submitter. Criteria: ACMG Guidelines, 2015. Collection method: clinical testing. Allele origin: germline.
Comment: The F8 c.5649C>A variant is predicted to result in the amino acid substitution p.Asn1883Lys. To our knowledge, this variant has not been reported in the literature or in a large population database, indicating this variant is rare. At this time, the clinical significance of this variant is uncertain due to the absence of conclusive functional and genetic evidence.